The following is an entry in ClinVar:

ClinVar aggregate classification (germline): Uncertain significance. Review status: criteria provided, multiple submitters, no conflicts (2 of 4 stars). 3 submissions from 3 submitters: Uncertain significance (2). 1 of the submissions does not count toward it. Last evaluated 2024-03-01.

Conditions:
PKP2-related disorder. Also called: PKP2-related condition.
Arrhythmogenic right ventricular dysplasia 9 (ARVD9). Also called: ARRHYTHMOGENIC RIGHT VENTRICULAR DYSPLASIA, FAMILIAL, 9; Arrhythmogenic Right Ventricular Dysplasia/Cardiomyopathy 9. Identifiers: MedGen C1836906, MONDO:0012180, OMIM 609040.
Arrhythmogenic right ventricular cardiomyopathy (ARVD). Also called: Arrhythmogenic right ventricular dysplasia; Cardiomyopathy, ARVC; Arrhythmogenic cardiomyopathy; Arrhythmogenic Right Ventricular Cardiomyopathy (ARVC). Identifiers: Orphanet 247, MedGen C0349788, MeSH D019571, MONDO:0016587. Disease mechanism: loss of function. Inheritance: Various modes of inheritance.

Allele frequency attached by ClinVar (database versions not stated): gnomAD exomes below 0.00001; ExAC 0.00001.

Submissions (3):

Labcorp Genetics (formerly Invitae), Labcorp
Classification: Uncertain significance for Arrhythmogenic right ventricular dysplasia 9. Last evaluated: 2024-03-01. Review status: criteria provided, single submitter. Criteria: Invitae Variant Classification Sherloc (09022015). Collection method: clinical testing. Allele origin: germline.
Comment: This sequence change replaces leucine, which is neutral and non-polar, with proline, which is neutral and non-polar, at codon 506 of the PKP2 protein (p.Leu506Pro). This variant is present in population databases (rs748841539, gnomAD 0.003%). This missense change has been observed in individual(s) with arrhythmogenic right ventricular cardiomyopathy (PMID: 22170284). An algorithm developed to predict the effect of missense changes on protein structure and function (PolyPhen-2) suggests that this variant is likely to be disruptive. In summary, the available evidence is currently insufficient to determine the role of this variant in disease. Therefore, it has been classified as a Variant of Uncertain Significance.

All of Us Research Program, National Institutes of Health
Classification: Uncertain significance for Arrhythmogenic right ventricular cardiomyopathy. Last evaluated: 2023-12-01. Review status: criteria provided, single submitter. Criteria: ACMG Guidelines, 2015. Collection method: clinical testing. Allele origin: germline. Inheritance: Autosomal dominant inheritance. Observed: 1 variant allele, 1 heterozygote.
Comment: This study involves interpretation of variants in research participants for the purpose of population health screening. Participant phenotype was not available at the time of variant classification. Additional details can be found in publication PMID: 35346344, PMCID: PMC8962531

PreventionGenetics, part of Exact Sciences
Classification: Uncertain significance for PKP2-related condition. Last evaluated: 2024-05-08. Review status: no assertion criteria provided. Collection method: clinical testing. Allele origin: germline. Not counted in ClinVar's aggregate classification.
Comment: The PKP2 c.1517T>C variant is predicted to result in the amino acid substitution p.Leu506Pro. This variant has been reported, with another missense variant in PKP2, in a family with arrhythmogenic right ventricular cardiomyopathy (Ostrowska Dahlgren et al 2012. PubMed ID: 22170284). This variant is reported in 0.0033% of alleles in individuals of South Asian descent in gnomAD. This variant is interpreted as a variant of uncertain significance.

Literature cited by the submitters: PubMed 22170284 (cited by Labcorp Genetics (formerly Invitae), Labcorp).

NM_001005242.3(PKP2):c.1385T>C (p.Leu462Pro)

Gene: PKP2 (plakophilin 2; minus strand). Cytogenetic location: 12p11.21.
Variant type: single nucleotide variant.
Coding change: c.1385T>C on transcript NM_001005242.3 (MANE Select); coding-DNA position 1385, T replaced by C.
Protein change: p.Leu462Pro; replaces leucine 462 with proline.
Molecular consequence: missense variant.
Genome position (GRCh38, 1-based): chr12:32,841,199, A>G on the plus strand (T>C on the coding strand, the complement: PKP2 is on the minus strand). VCF-style: chr12-32841199-A-G. GRCh37 (hg19) VCF-style: chr12-32994133-A-G.
Other names: c.1385T>C, p.Leu462Pro (NM_001407155.1, NM_001407156.1, NM_001407161.1); c.1517T>C, p.Leu506Pro (NM_001407157.1, NM_004572.4); c.1058T>C, p.Leu353Pro (NM_001407158.1, NM_001407159.1, NM_001407160.1 and 1 more transcripts); short protein forms L506P, L353P, L462P.
Identifiers: ClinVar variation 2735822 (VCV002735822.5), dbSNP rs748841539, ClinGen allele CA029176.